The following is an entry in ClinVar:

NM_030632.3(ASXL3):c.3224C>T (p.Ala1075Val)

Gene: ASXL3 (ASXL transcriptional regulator 3; plus strand). Cytogenetic location: 18q12.1.
Variant type: single nucleotide variant.
Coding change: c.3224C>T on transcript NM_030632.3 (MANE Select); coding-DNA position 3224, C replaced by T.
Protein change: p.Ala1075Val; replaces alanine 1075 with valine.
Molecular consequence: missense variant.
Genome position (GRCh38, 1-based): chr18:33,743,072, C>T. VCF-style: chr18-33743072-C-T. GRCh37 (hg19) VCF-style: chr18-31323036-C-T.
Other names: short protein forms A1075V.
Identifiers: ClinVar variation 2429290 (VCV002429290.3), dbSNP rs2510924539, ClinGen allele CA402184885.

ClinVar aggregate classification (germline): Uncertain significance (1 of 4 stars; one submission).

Submission:

Women's Health and Genetics/Laboratory Corporation of America, LabCorp
Classification: Uncertain significance. Last evaluated: 2023-01-05. Review status: criteria provided, single submitter. Criteria: LabCorp Variant Classification Summary - May 2015. Collection method: clinical testing. Allele origin: germline.
Comment: Variant summary: ASXL3 c.3224C>T (p.Ala1075Val) results in a non-conservative amino acid change in the encoded protein sequence. Four of five in-silico tools predict a damaging effect of the variant on protein function. The variant was absent in 243698 control chromosomes (gnomAD). The available data on variant occurrences in the general population are insufficient to allow any conclusion about variant significance. To our knowledge, no occurrence of c.3224C>T in individuals affected with Bainbridge-Ropers Syndrome and no experimental evidence demonstrating its impact on protein function have been reported. No clinical diagnostic laboratories have submitted clinical-significance assessments for this variant to ClinVar after 2014. Based on the evidence outlined above, the variant was classified as uncertain significance.